The following is an entry in ClinVar:

ClinVar aggregate classification (germline): Uncertain significance (1 of 4 stars; one submission).

Submission:

Labcorp Genetics (formerly Invitae), Labcorp
Classification: Uncertain significance. Last evaluated: 2022-06-13. Review status: criteria provided, single submitter. Criteria: Invitae Variant Classification Sherloc (09022015). Collection method: clinical testing. Allele origin: germline.
Comment: In summary, the available evidence is currently insufficient to determine the role of this variant in disease. Therefore, it has been classified as a Variant of Uncertain Significance. Algorithms developed to predict the effect of missense changes on protein structure and function output the following: SIFT: "Tolerated"; PolyPhen-2: "Benign"; Align-GVGD: "Class C0". The threonine amino acid residue is found in multiple mammalian species, which suggests that this missense change does not adversely affect protein function. This variant has not been reported in the literature in individuals affected with MKL1-related conditions. This variant is not present in population databases (gnomAD no frequency). This sequence change replaces alanine, which is neutral and non-polar, with threonine, which is neutral and polar, at codon 605 of the MKL1 protein (p.Ala605Thr).

NM_020831.6(MRTFA):c.2113G>A (p.Ala705Thr)

Gene: MRTFA (myocardin related transcription factor A; minus strand). Cytogenetic location: 22q13.1.
Variant type: single nucleotide variant.
Coding change: c.2113G>A on transcript NM_020831.6 (MANE Select); coding-DNA position 2113, G replaced by A.
Protein change: p.Ala705Thr; replaces alanine 705 with threonine.
Molecular consequence: missense variant.
Genome position (GRCh38, 1-based): chr22:40,418,625, C>T on the plus strand (G>A on the coding strand, the complement: MRTFA is on the minus strand). VCF-style: chr22-40418625-C-T. GRCh37 (hg19) VCF-style: chr22-40814629-C-T.
Other names: c.1813G>A, p.Ala605Thr (NM_001282660.2); c.1963G>A, p.Ala655Thr (NM_001282661.3); c.2113G>A, p.Ala705Thr (NM_001282662.3); c.1918G>A, p.Ala640Thr (NM_001318139.2); short protein forms A605T, A640T, A705T, A655T.
Identifiers: ClinVar variation 2068684 (VCV002068684.4), dbSNP rs2517813137, ClinGen allele CA411658333.